The following is an entry in ClinVar:

ClinVar aggregate classification (germline): Uncertain significance. Review status: criteria provided, multiple submitters, no conflicts (2 of 4 stars). 2 submissions from 2 submitters: Uncertain significance (2). Last evaluated 2023-02-24.

Allele frequency attached by ClinVar (database versions not stated): TOPMed below 0.00001; gnomAD 0.00001; gnomAD exomes 0.00001.
gnomAD v4.1: 7 of 1,613,438 alleles (0.00043%); highest among the groups gnomAD compares: African/African-American, 0.0013%; no homozygotes.

Submissions (2):

Blueprint Genetics
Classification: Uncertain significance. Last evaluated: 2023-02-24. Review status: criteria provided, single submitter. Criteria: ACMG Guidelines, 2015. Collection method: clinical testing. Allele origin: germline.

GeneDx
Classification: Uncertain significance. Last evaluated: 2019-01-21. Review status: criteria provided, single submitter. Criteria: GeneDx Variant Classification Process June 2021. Collection method: clinical testing. Allele origin: germline. Affected: yes.
Comment: In silico analysis, which includes protein predictors and evolutionary conservation, supports that this variant does not alter protein structure/function; Has not been previously published as pathogenic or benign to our knowledge

NM_006005.3(WFS1):c.558G>C (p.Lys186Asn)

Gene: WFS1 (wolframin ER transmembrane glycoprotein; plus strand). Cytogenetic location: 4p16.1.
Variant type: single nucleotide variant.
Coding change: c.558G>C on transcript NM_006005.3 (MANE Select); coding-DNA position 558, G replaced by C.
Protein change: p.Lys186Asn; replaces lysine 186 with asparagine.
Molecular consequence: missense variant.
Genome position (GRCh38, 1-based): chr4:6,291,294, G>C. VCF-style: chr4-6291294-G-C. GRCh37 (hg19) VCF-style: chr4-6293021-G-C.
Other names: c.558G>C, p.Lys186Asn (NM_001145853.1); short protein forms K186N.
Identifiers: ClinVar variation 1180254 (VCV001180254.3), dbSNP rs1252547123, ClinGen allele CA356172029.